The following is an entry in ClinVar:

NM_005585.5(SMAD6):c.1417G>A (p.Gly473Arg)

Gene: SMAD6 (SMAD family member 6; plus strand). Cytogenetic location: 15q22.31.
Variant type: single nucleotide variant.
Coding change: c.1417G>A on transcript NM_005585.5 (MANE Select); coding-DNA position 1417, G replaced by A.
Protein change: p.Gly473Arg; replaces glycine 473 with arginine.
Molecular consequence: missense variant. On other transcripts: non-coding transcript variant (1).
Genome position (GRCh38, 1-based): chr15:66,781,461, G>A. VCF-style: chr15-66781461-G-A. GRCh37 (hg19) VCF-style: chr15-67073799-G-A.
Other names: short protein forms G473R.
Identifiers: ClinVar variation 3706877 (VCV003706877.2).
Genomic context (GRCh38, chr15:66,781,461, plus strand): 5'-GACGCCGCCGACGGCCCCTACGACCCCAACAGCGTCCGCATCAGCTTCGCCAAGGGCTGG[G>A]GGCCCTGCTACTCCCGGCAGTTCATCACCTCCTGCCCCTGCTGGCTGGAGATCCTCCTCA-3'
Protein context (NP_005576.3, residues 463-483): SVRISFAKGW[Gly473Arg]PCYSRQFITS

ClinVar aggregate classification (germline): Uncertain significance (1 of 4 stars; one submission).

Conditions:
Aortic valve disease 2 (AOVD2). Identifiers: MedGen C3542024, MONDO:0013902, OMIM 614823.

gnomAD v4.1: 5 of 1,604,036 alleles (0.00031%); highest among the groups gnomAD compares: Admixed American, 0.0017%; no homozygotes.

Submission:

Labcorp Genetics (formerly Invitae), Labcorp
Classification: Uncertain significance for Aortic valve disease 2. Last evaluated: 2025-12-22. Review status: criteria provided, single submitter. Criteria: Invitae Variant Classification Sherloc (09022015). Collection method: clinical testing. Allele origin: germline.
Comment: This sequence change replaces glycine, which is neutral and non-polar, with arginine, which is basic and polar, at codon 473 of the SMAD6 protein (p.Gly473Arg). This variant is not present in population databases (gnomAD no frequency). This missense change has been observed in individual(s) with craniosynostosis (PMID: 32499606). ClinVar contains an entry for this variant (Variation ID: 3706877). Invitae Evidence Modeling of protein sequence and biophysical properties (such as structural, functional, and spatial information, amino acid conservation, physicochemical variation, residue mobility, and thermodynamic stability) has been performed for this missense variant. However, the output from this modeling did not meet the statistical confidence thresholds required to predict the impact of this variant on SMAD6 protein function. Experimental studies are conflicting or provide insufficient evidence to determine the effect of this variant on SMAD6 function (PMID: 32499606, 38913236). In summary, the available evidence is currently insufficient to determine the role of this variant in disease. Therefore, it has been classified as a Variant of Uncertain Significance.

Literature cited by the submitters: PubMed 32499606; PubMed 38913236.